The following is an entry in ClinVar:

ClinVar aggregate classification (germline): Uncertain significance (1 of 4 stars; one submission).

Submission:

Ambry Genetics
Classification: Uncertain significance. Last evaluated: 2023-04-03. Review status: criteria provided, single submitter. Criteria: Ambry Variant Classification Scheme 2023. Collection method: clinical testing. Allele origin: germline.
Comment: The p.S1358P variant (also known as c.4072T>C), located in coding exon 4 of the ALPK2 gene, results from a T to C substitution at nucleotide position 4072. The serine at codon 1358 is replaced by proline, an amino acid with similar properties. This amino acid position is conserved. In addition, this alteration is predicted to be tolerated by in silico analysis. Since supporting evidence is limited at this time, the clinical significance of this alteration remains unclear.

NM_052947.4(ALPK2):c.4072T>C (p.Ser1358Pro)

Genes: ALPK2 (alpha kinase 2; minus strand), LOC126862764 (BRD4-independent group 4 enhancer GRCh37_chr18:56202574-56203773; plus strand). Cytogenetic location: 18q21.31.
Variant type: single nucleotide variant.
Coding change: c.4072T>C on transcript NM_052947.4 (MANE Select); coding-DNA position 4072, T replaced by C.
Protein change: p.Ser1358Pro; replaces serine 1358 with proline.
Molecular consequence: missense variant.
Genome position (GRCh38, 1-based): chr18:58,536,115, A>G on the plus strand (T>C on the coding strand, the complement: ALPK2 is on the minus strand). VCF-style: chr18-58536115-A-G. GRCh37 (hg19) VCF-style: chr18-56203347-A-G.
Other names: short protein forms S1358P.
Identifiers: ClinVar variation 2564049 (VCV002564049.2), dbSNP rs1391493652, ClinGen allele CA402564508.
Genomic context (GRCh38, chr18:58,536,115, plus strand): 5'-CCTCCTGGTCTTGACTCACATTGTTAACATTTTCCTTCCCTCCAGTTTCAGAAGCCGCTG[A>G]CAGTGAATCTGTGACAGATAACTCCTTTTCATCTACAGGGTCCACGGATGACTCCAGGAG-3'
Protein context (NP_443179.3, residues 1348-1368): EKELSVTDSL[Ser1358Pro]AASETGGKEN